The following is an entry in ClinVar:

ClinVar aggregate classification (germline): Uncertain significance (1 of 4 stars; one submission).

Allele frequency attached by ClinVar (database versions not stated): ExAC 0.00004; gnomAD exomes 0.00005; 1000 Genomes Project 30x 0.00016; gnomAD 0.00018 and 0.00021; TOPMed 0.00022; ESP Exome Variant Server 0.00038.
gnomAD v4.1: 72 of 1,505,288 alleles (0.0048%); highest among the groups gnomAD compares: African/African-American, 0.077%; no homozygotes.

Submission:

Labcorp Genetics (formerly Invitae), Labcorp
Classification: Uncertain significance. Last evaluated: 2025-10-14. Review status: criteria provided, single submitter. Criteria: Invitae Variant Classification Sherloc (09022015). Collection method: clinical testing. Allele origin: germline.
Comment: This sequence change falls in intron 2 of the CLUAP1 gene. It does not directly change the encoded amino acid sequence of the CLUAP1 protein. It affects a nucleotide within the consensus splice site. This variant is present in population databases (rs374473849, gnomAD 0.06%), and has an allele count higher than expected for a pathogenic variant. This variant has not been reported in the literature in individuals affected with CLUAP1-related conditions. ClinVar contains an entry for this variant (Variation ID: 859153). Variants that disrupt the consensus splice site are a relatively common cause of aberrant splicing (PMID: 17576681, 9536098). Algorithms developed to predict the effect of sequence changes on RNA splicing suggest that this variant may disrupt the consensus splice site. In summary, the available evidence is currently insufficient to determine the role of this variant in disease. Therefore, it has been classified as a Variant of Uncertain Significance.

Literature cited by the submitters: PubMed 17576681; PubMed 9536098.

NM_015041.3(CLUAP1):c.134+5G>A

Gene: CLUAP1 (clusterin associated protein 1; plus strand). Cytogenetic location: 16p13.3.
Variant type: single nucleotide variant.
Coding change: c.134+5G>A on transcript NM_015041.3 (MANE Select); 5 bases into the intron after coding-DNA position 134, G replaced by A.
Molecular consequence: intron variant.
Genome position (GRCh38, 1-based): chr16:3,504,836, G>A. VCF-style: chr16-3504836-G-A. GRCh37 (hg19) VCF-style: chr16-3554836-G-A.
Other names: c.134+5G>A (NM_001330454.2).
Identifiers: ClinVar variation 859153 (VCV000859153.8), dbSNP rs374473849, ClinGen allele CA7863604.